The following is an entry in ClinVar:

NM_000384.3(APOB):c.3748A>G (p.Thr1250Ala)

Gene: APOB (apolipoprotein B; minus strand). Cytogenetic location: 2p24.1.
Variant type: single nucleotide variant.
Coding change: c.3748A>G on transcript NM_000384.3 (MANE Select); coding-DNA position 3748, A replaced by G.
Protein change: p.Thr1250Ala; replaces threonine 1250 with alanine.
Molecular consequence: missense variant.
Genome position (GRCh38, 1-based): chr2:21,014,542, T>C on the plus strand (A>G on the coding strand, the complement: APOB is on the minus strand). VCF-style: chr2-21014542-T-C. GRCh37 (hg19) VCF-style: chr2-21237414-T-C.
Other names: short protein forms T1250A.
Identifiers: ClinVar variation 1734522 (VCV001734522.2), dbSNP rs1663416945, ClinGen allele CA346008383.

ClinVar aggregate classification (germline): Uncertain significance (1 of 4 stars; one submission).

Conditions:
Cardiovascular phenotype. Identifiers: MedGen CN230736.

Submission:

Ambry Genetics
Classification: Uncertain significance for Cardiovascular phenotype. Last evaluated: 2022-02-20. Review status: criteria provided, single submitter. Criteria: Ambry Variant Classification Scheme 2023. Collection method: clinical testing. Allele origin: germline.
Comment: The p.T1250A variant (also known as c.3748A>G), located in coding exon 24 of the APOB gene, results from an A to G substitution at nucleotide position 3748. The threonine at codon 1250 is replaced by alanine, an amino acid with similar properties. This amino acid position is conserved. In addition, this alteration is predicted to be tolerated by in silico analysis. Since supporting evidence is limited at this time, the clinical significance of this alteration remains unclear.